The following is an entry in ClinVar:

ClinVar aggregate classification (germline): Benign/Likely benign. Review status: criteria provided, multiple submitters, no conflicts (2 of 4 stars). 5 submissions from 5 submitters: Benign (4); Likely benign (1). Last evaluated 2026-02-04.

Conditions:
Combined immunodeficiency due to CTPS1 deficiency. Also called: Immunodeficiency 24; Severe combined immunodeficiency due to CTPS1 deficiency. Identifiers: Orphanet 420573, MedGen C4014617, MONDO:0014391, OMIM 615897.

Allele frequency attached by ClinVar (database versions not stated): ESP Exome Variant Server 0.08212; gnomAD 0.09978 and 0.10395; TOPMed 0.10959; ExAC 0.12626; 1000 Genomes Project 0.13299; 1000 Genomes Project 30x 0.13398; gnomAD exomes 0.13670.
gnomAD v4.1: 184,361 of 1,613,798 alleles (11%); highest among the groups gnomAD compares: East Asian, 27%; 12,464 homozygotes.

Submissions (5):

Labcorp Genetics (formerly Invitae), Labcorp
Classification: Benign for Combined immunodeficiency due to CTPS1 deficiency. Last evaluated: 2026-02-04. Review status: criteria provided, single submitter. Criteria: Invitae Variant Classification Sherloc (09022015). Collection method: clinical testing. Allele origin: germline.

Blueprint Genetics
Classification: Likely benign. Last evaluated: 2024-11-26. Review status: criteria provided, single submitter. Criteria: ACMG Guidelines, 2015. Collection method: clinical testing. Allele origin: germline.

Unidad de Genómica Garrahan, Hospital de Pediatría Garrahan
Classification: Benign. Last evaluated: 2023-11-12. Review status: criteria provided, single submitter. Criteria: ACMG Guidelines, 2015. Collection method: clinical testing. Allele origin: germline. Affected: no. Observed: 46 variant alleles.
Comment: This variant is classified as Benign based on local population frequency. This variant was detected in 48% of patients studied by a panel of primary immunodeficiencies. Number of patients: 46. Only high quality variants are reported.

Genome-Nilou Lab
Classification: Benign for Combined immunodeficiency due to CTPS1 deficiency. Last evaluated: 2023-04-11. Review status: criteria provided, single submitter. Criteria: ACMG Guidelines, 2015. Collection method: clinical testing. Allele origin: germline. Affected: no.

Breakthrough Genomics
Classification: Benign. Review status: criteria provided, single submitter. Criteria: ACMG Guidelines, 2015. Collection method: not provided. Allele origin: germline. Inheritance: Autosomal recessive inheritance. Affected: yes.

NM_001905.4(CTPS1):c.1449+14C>G

Gene: CTPS1 (CTP synthase 1; plus strand). Cytogenetic location: 1p34.2.
Variant type: single nucleotide variant.
Coding change: c.1449+14C>G on transcript NM_001905.4 (MANE Select); 14 bases into the intron after coding-DNA position 1449, C replaced by G.
Molecular consequence: intron variant. On other transcripts: non-coding transcript variant (1).
Genome position (GRCh38, 1-based): chr1:41,008,728, C>G. VCF-style: chr1-41008728-C-G. GRCh37 (hg19) VCF-style: chr1-41474400-C-G.
Other names: c.981+14C>G (NM_001301237.2).
Identifiers: ClinVar variation 1165019 (VCV001165019.14), dbSNP rs35044078, ClinGen allele CA795549.